The following is an entry in ClinVar:

ClinVar aggregate classification (germline): Uncertain significance (1 of 4 stars; one submission).

Submission:

Ambry Genetics
Classification: Uncertain significance. Last evaluated: 2025-12-10. Review status: criteria provided, single submitter. Criteria: Ambry Variant Classification Scheme 2023. Collection method: clinical testing. Allele origin: germline.
Comment: The p.A108T variant (also known as c.322G>A), located in coding exon 1 of the EGLN1 gene, results from a G to A substitution at nucleotide position 322. The alanine at codon 108 is replaced by threonine, an amino acid with similar properties. This amino acid position is conserved. In addition, this alteration is predicted to be tolerated by in silico analysis. Since supporting evidence is limited at this time, the clinical significance of this alteration remains unclear.

NM_022051.3(EGLN1):c.322G>A (p.Ala108Thr)

Gene: EGLN1 (egl-9 family hypoxia inducible factor 1; minus strand). Cytogenetic location: 1q42.2.
Variant type: single nucleotide variant.
Coding change: c.322G>A on transcript NM_022051.3 (MANE Select); coding-DNA position 322, G replaced by A.
Protein change: p.Ala108Thr; replaces alanine 108 with threonine.
Molecular consequence: missense variant.
Genome position (GRCh38, 1-based): chr1:231,421,567, C>T on the plus strand (G>A on the coding strand, the complement: EGLN1 is on the minus strand). VCF-style: chr1-231421567-C-T. GRCh37 (hg19) VCF-style: chr1-231557313-C-T.
Other names: c.322G>A, p.Ala108Thr (NM_001377260.1, NM_001377261.1); short protein forms A108T.
Identifiers: ClinVar variation 2562038 (VCV002562038.3), dbSNP rs2527360733, ClinGen allele CA345237733.